The following is an entry in ClinVar:

NM_001330588.2(TPP2):c.3261T>G (p.Asn1087Lys)

Gene: TPP2 (tripeptidyl peptidase 2; plus strand). Cytogenetic location: 13q33.1.
Variant type: single nucleotide variant.
Coding change: c.3261T>G on transcript NM_001330588.2 (MANE Select); coding-DNA position 3261, T replaced by G.
Protein change: p.Asn1087Lys; replaces asparagine 1087 with lysine.
Molecular consequence: missense variant. On other transcripts: non-coding transcript variant (1).
Genome position (GRCh38, 1-based): chr13:102,664,815, T>G. VCF-style: chr13-102664815-T-G. GRCh37 (hg19) VCF-style: chr13-103317165-T-G.
Other names: c.3222T>G, p.Asn1074Lys (NM_001367947.1, NM_003291.4); short protein forms N1074K, N1087K.
Identifiers: ClinVar variation 1360086 (VCV001360086.6), dbSNP rs770691393, ClinGen allele CA7038243.

ClinVar aggregate classification (germline): Uncertain significance (1 of 4 stars; one submission).

Conditions:
Evans syndrome, immunodeficiency, and premature immunosenescence associated with tripeptidyl-peptidase II deficiency. Identifiers: MedGen CN231723. Disease mechanism: loss of function.

Allele frequency attached by ClinVar (database versions not stated): ExAC 0.00001; gnomAD 0.00001; TOPMed 0.00001.
gnomAD v4.1: 3 of 1,613,258 alleles (0.00019%); highest among the groups gnomAD compares: Non-Finnish European, 0.00025%; no homozygotes.

Submission:

Labcorp Genetics (formerly Invitae), Labcorp
Classification: Uncertain significance for Evans syndrome, immunodeficiency, and premature immunosenescence associated with tripeptidyl-peptidase II deficiency. Last evaluated: 2024-03-29. Review status: criteria provided, single submitter. Criteria: Invitae Variant Classification Sherloc (09022015). Collection method: clinical testing. Allele origin: germline.
Comment: This sequence change replaces asparagine, which is neutral and polar, with lysine, which is basic and polar, at codon 1074 of the TPP2 protein (p.Asn1074Lys). This variant is present in population databases (rs770691393, gnomAD 0.0009%). This variant has not been reported in the literature in individuals affected with TPP2-related conditions. ClinVar contains an entry for this variant (Variation ID: 1360086). An algorithm developed to predict the effect of missense changes on protein structure and function (PolyPhen-2) suggests that this variant is likely to be tolerated. In summary, the available evidence is currently insufficient to determine the role of this variant in disease. Therefore, it has been classified as a Variant of Uncertain Significance.